The following is an entry in ClinVar:

NM_006329.4(FBLN5):c.990-3C>T

Gene: FBLN5 (fibulin 5; minus strand). Cytogenetic location: 14q32.12.
Variant type: single nucleotide variant.
Coding change: c.990-3C>T on transcript NM_006329.4 (MANE Select); 3 bases into the intron before coding-DNA position 990, C replaced by T.
Molecular consequence: intron variant.
Genome position (GRCh38, 1-based): chr14:91,877,685, G>A on the plus strand (C>T on the coding strand, the complement: FBLN5 is on the minus strand). VCF-style: chr14-91877685-G-A. GRCh37 (hg19) VCF-style: chr14-92344029-G-A.
Other names: c.990-3C>T (NM_006329.3, NM_001384160.1); c.1113-3C>T (NM_001384158.1); c.822-3C>T (NM_001384162.1, NM_001384161.1); c.1041-3C>T (NM_001384159.1).
Identifiers: ClinVar variation 1217419 (VCV001217419.11), dbSNP rs762189469, ClinGen allele CA7312640.

ClinVar aggregate classification (germline): Conflicting classifications of pathogenicity. Review status: criteria provided, conflicting classifications (1 of 4 stars). 4 submissions from 4 submitters: Uncertain significance (2); Likely benign (2). Last evaluated 2026-01-14.

Allele frequency attached by ClinVar (database versions not stated): gnomAD 0.00002 and 0.00005; TOPMed 0.00002; ExAC 0.00003; gnomAD exomes 0.00004.

Submissions (4):

Labcorp Genetics (formerly Invitae), Labcorp
Classification: Uncertain significance. Last evaluated: 2026-01-14. Review status: criteria provided, single submitter. Criteria: Invitae Variant Classification Sherloc (09022015). Collection method: clinical testing. Allele origin: germline.
Comment: This sequence change falls in intron 9 of the FBLN5 gene. It does not directly change the encoded amino acid sequence of the FBLN5 protein. It affects a nucleotide within the consensus splice site. This variant is present in population databases (rs762189469, gnomAD 0.03%). This variant has been observed in individual(s) with Charcot-Marie-Tooth disease (internal data). ClinVar contains an entry for this variant (Variation ID: 1217419). Variants that disrupt the consensus splice site are a relatively common cause of aberrant splicing (PMID: 17576681, 9536098). Algorithms developed to predict the effect of sequence changes on RNA splicing suggest that this variant is not likely to affect RNA splicing. In summary, the available evidence is currently insufficient to determine the role of this variant in disease. Therefore, it has been classified as a Variant of Uncertain Significance.

Greenwood Genetic Center Diagnostic Laboratories, Greenwood Genetic Center
Classification: Uncertain significance. Last evaluated: 2024-09-24. Review status: criteria provided, single submitter. Criteria: ACMG Guidelines, 2015. Collection method: clinical testing. Allele origin: germline. Affected: yes.
Comment: No Rules Apply

Blueprint Genetics
Classification: Likely benign. Last evaluated: 2024-07-19. Review status: criteria provided, single submitter. Criteria: ACMG Guidelines, 2015. Collection method: clinical testing. Allele origin: germline.

GeneDx
Classification: Likely benign. Last evaluated: 2020-07-30. Review status: criteria provided, single submitter. Criteria: GeneDx Variant Classification Process June 2021. Collection method: clinical testing. Allele origin: germline. Affected: yes.

Literature cited by the submitters: PubMed 17576681 (cited by Labcorp Genetics (formerly Invitae), Labcorp); PubMed 9536098 (cited by Labcorp Genetics (formerly Invitae), Labcorp).